The following is an entry in ClinVar:

ClinVar aggregate classification (germline): Uncertain significance (1 of 4 stars; one submission).

Conditions:
Familial intrahepatic cholestasis. Identifiers: Orphanet 284385, MedGen CN296401, MONDO:0017290.

gnomAD v4.1: 5 of 1,555,002 alleles (0.00032%); highest among the groups gnomAD compares: Non-Finnish European, 0.00026%; no homozygotes.

Submission:

Genomenon, Inc
Classification: Uncertain significance for Familial intrahepatic cholestasis. Last evaluated: 2026-04-14. Review status: criteria provided, single submitter. Criteria: Genomenon Sequence Variant Interpretation Standards - Updated. Collection method: curation. Allele origin: germline. Affected: yes.
Comment: ABCB11 p.Asp724Asn (c.2170G>A) is a missense variant that changes the amino acid at residue 724 from Aspartic acid to Asparagine. This variant has been observed in at least one proband with an ABCB11-related disorder (PMID:24627769). It is absent or not present at a significant frequency in gnomAD. In silico models predict that this variant is not damaging. In conclusion, we classify ABCB11 p.Asp724Asn (c.2170G>A) as a variant of uncertain significance.

Literature cited by the submitters: PubMed 24627769.

NM_003742.4(ABCB11):c.2170G>A (p.Asp724Asn)

Gene: ABCB11 (ATP binding cassette subfamily B member 11; minus strand). Cytogenetic location: 2q31.1.
Variant type: single nucleotide variant.
Coding change: c.2170G>A on transcript NM_003742.4 (MANE Select); coding-DNA position 2170, G replaced by A.
Protein change: p.Asp724Asn; replaces aspartic acid 724 with asparagine.
Molecular consequence: missense variant.
Genome position (GRCh38, 1-based): chr2:168,964,214, C>T on the plus strand (G>A on the coding strand, the complement: ABCB11 is on the minus strand). VCF-style: chr2-168964214-C-T. GRCh37 (hg19) VCF-style: chr2-169820724-C-T.
Other names: short protein forms D724N.
Identifiers: ClinVar variation 4845976 (VCV004845976.1).